The following is an entry in ClinVar:

ClinVar aggregate classification (germline): Uncertain significance (1 of 4 stars; one submission).

Submission:

Labcorp Genetics (formerly Invitae), Labcorp
Classification: Uncertain significance. Last evaluated: 2022-08-19. Review status: criteria provided, single submitter. Criteria: Invitae Variant Classification Sherloc (09022015). Collection method: clinical testing. Allele origin: germline.
Comment: In summary, the available evidence is currently insufficient to determine the role of this variant in disease. Therefore, it has been classified as a Variant of Uncertain Significance. Algorithms developed to predict the effect of missense changes on protein structure and function (SIFT, PolyPhen-2, Align-GVGD) all suggest that this variant is likely to be disruptive. This variant has not been reported in the literature in individuals affected with CNGA1-related conditions. This variant is not present in population databases (gnomAD no frequency). This sequence change replaces leucine, which is neutral and non-polar, with serine, which is neutral and polar, at codon 471 of the CNGA1 protein (p.Leu471Ser).

NM_001379270.1(CNGA1):c.1400T>C (p.Leu467Ser)

Genes: CNGA1 (cyclic nucleotide gated channel subunit alpha 1; minus strand), LOC101927157 (uncharacterized LOC101927157; plus strand). Cytogenetic location: 4p12.
Variant type: single nucleotide variant.
Coding change: c.1400T>C on transcript NM_001379270.1 (MANE Select); coding-DNA position 1400, T replaced by C.
Protein change: p.Leu467Ser; replaces leucine 467 with serine.
Molecular consequence: missense variant.
Genome position (GRCh38, 1-based): chr4:47,937,082, A>G on the plus strand (T>C on the coding strand, the complement: CNGA1 is on the minus strand). VCF-style: chr4-47937082-A-G. GRCh37 (hg19) VCF-style: chr4-47939099-A-G.
Other names: c.1400T>C, p.Leu467Ser (NM_000087.5, NM_001142564.2); short protein forms L467S.
Identifiers: ClinVar variation 2077355 (VCV002077355.4), dbSNP rs1434427970, ClinGen allele CA356825851.
Genomic context (GRCh38, chr4:47,937,082, plus strand): 5'-AACTCCACCAACAGACCAGCTTCACAATCAGCAAAAATGCGTACCTTTTTTAATGTGTCT[A>G]AGTGAACGTTGATGGCAATTTCTGCTCTTAGTTTATCAGGTAGATACTTTAAGACTTCTT-3'
Protein context (NP_001366199.1, residues 457-477): LRAEIAINVH[Leu467Ser]DTLKKVRIFA